The following is an entry in ClinVar:

NM_198271.5(LMOD3):c.1493G>A (p.Arg498Gln)

Gene: LMOD3 (leiomodin 3; minus strand). Cytogenetic location: 3p14.1.
Variant type: single nucleotide variant.
Coding change: c.1493G>A on transcript NM_198271.5 (MANE Select); coding-DNA position 1493, G replaced by A.
Protein change: p.Arg498Gln; replaces arginine 498 with glutamine.
Molecular consequence: missense variant.
Genome position (GRCh38, 1-based): chr3:69,118,862, C>T on the plus strand (G>A on the coding strand, the complement: LMOD3 is on the minus strand). VCF-style: chr3-69118862-C-T. GRCh37 (hg19) VCF-style: chr3-69168013-C-T.
Other names: c.1493G>A, p.Arg498Gln (NM_001304418.3); short protein forms R498Q.
Identifiers: ClinVar variation 475307 (VCV000475307.17), dbSNP rs116440123, ClinGen allele CA2488759.

ClinVar aggregate classification (germline): Benign/Likely benign. Review status: criteria provided, multiple submitters, no conflicts (2 of 4 stars). 3 submissions from 3 submitters: Benign (1); Likely benign (2). Last evaluated 2026-01-12.

Conditions:
Nemaline myopathy 10 (NEM10). Identifiers: MedGen C4015360, MONDO:0014513, OMIM 616165.

Allele frequency attached by ClinVar (database versions not stated): gnomAD exomes 0.00128; ExAC 0.00143; 1000 Genomes Project 0.00459; gnomAD 0.00470 and 0.00513; 1000 Genomes Project 30x 0.00484; ESP Exome Variant Server 0.00533; TOPMed 0.00548.
gnomAD v4.1: 1,449 of 1,610,134 alleles (0.09%); highest among the groups gnomAD compares: African/African-American, 1.6%; 17 homozygotes.

Submissions (3):

Labcorp Genetics (formerly Invitae), Labcorp
Classification: Benign for Nemaline myopathy 10. Last evaluated: 2026-01-12. Review status: criteria provided, single submitter. Criteria: Invitae Variant Classification Sherloc (09022015). Collection method: clinical testing. Allele origin: germline.

GeneDx
Classification: Likely benign. Last evaluated: 2022-04-29. Review status: criteria provided, single submitter. Criteria: GeneDx Variant Classification Process June 2021. Collection method: clinical testing. Allele origin: germline. Affected: yes.
Comment: See Variant Classification Assertion Criteria.

Breakthrough Genomics
Classification: Likely benign. Review status: criteria provided, single submitter. Criteria: ACMG Guidelines, 2015. Collection method: not provided. Allele origin: germline. Inheritance: Autosomal recessive inheritance. Affected: yes.